The following is an entry in ClinVar:

ClinVar aggregate classification (germline): Likely benign. Review status: criteria provided, single submitter (1 of 4 stars). 2 submissions from 2 submitters: Likely benign (1). 1 of the submissions does not count toward it. Last evaluated 2023-08-07.

Conditions:
MYO15A-related disorder. Also called: MYO15A-related condition.

Allele frequency attached by ClinVar (database versions not stated): gnomAD 0.00001; TOPMed 0.00001; gnomAD exomes 0.00002.
gnomAD v4.1: 26 of 1,606,816 alleles (0.0016%); highest among the groups gnomAD compares: Non-Finnish European, 0.0022%; no homozygotes.

Submissions (2):

Labcorp Genetics (formerly Invitae), Labcorp
Classification: Likely benign. Last evaluated: 2023-08-07. Review status: criteria provided, single submitter. Criteria: Invitae Variant Classification Sherloc (09022015). Collection method: clinical testing. Allele origin: germline.

PreventionGenetics, part of Exact Sciences
Classification: Likely benign for MYO15A-related condition. Last evaluated: 2020-06-05. Review status: no assertion criteria provided. Collection method: clinical testing. Allele origin: germline. Not counted in ClinVar's aggregate classification.
Comment: This variant is classified as likely benign based on ACMG/AMP sequence variant interpretation guidelines (Richards et al. 2015 PMID: 25741868, with internal and published modifications).

NM_016239.4(MYO15A):c.765G>A (p.Glu255=)

Gene: MYO15A (myosin XVA; plus strand). Cytogenetic location: 17p11.2.
Variant type: single nucleotide variant.
Coding change: c.765G>A on transcript NM_016239.4 (MANE Select); coding-DNA position 765, G replaced by A.
Protein change: p.Glu255=; no amino-acid change (glutamic acid 255 retained).
Molecular consequence: synonymous variant.
Genome position (GRCh38, 1-based): chr17:18,119,565, G>A. VCF-style: chr17-18119565-G-A. GRCh37 (hg19) VCF-style: chr17-18022879-G-A.
Other names: c.765G>A (NM_016239.3).
Identifiers: ClinVar variation 2969024 (VCV002969024.5), dbSNP rs888665281, ClinGen allele CA288386080.